The following is an entry in ClinVar:

NM_001130144.3(LTBP3):c.3037A>G (p.Thr1013Ala)

Genes: LTBP3 (latent transforming growth factor beta binding protein 3; minus strand), LOC121832793 (Sharpr-MPRA regulatory region 4001; plus strand). Cytogenetic location: 11q13.1.
Variant type: single nucleotide variant.
Coding change: c.3037A>G on transcript NM_001130144.3 (MANE Select); coding-DNA position 3037, A replaced by G.
Protein change: p.Thr1013Ala; replaces threonine 1013 with alanine.
Molecular consequence: missense variant.
Genome position (GRCh38, 1-based): chr11:65,540,555, T>C on the plus strand (A>G on the coding strand, the complement: LTBP3 is on the minus strand). VCF-style: chr11-65540555-T-C. GRCh37 (hg19) VCF-style: chr11-65308026-T-C.
Other names: c.2686A>G, p.Thr896Ala (NM_001164266.1); c.3037A>G, p.Thr1013Ala (NM_021070.4); short protein forms T896A, T1013A.
Identifiers: ClinVar variation 5023699 (VCV005023699.1).

ClinVar aggregate classification (germline): Uncertain significance (1 of 4 stars; one submission).

Conditions:
Inborn genetic diseases. Identifiers: MedGen C0950123, MeSH D030342.

Submission:

Ambry Genetics
Classification: Uncertain significance for Inborn genetic diseases. Last evaluated: 2026-06-15. Review status: criteria provided, single submitter. Criteria: Ambry Variant Classification Scheme 2023. Collection method: clinical testing. Allele origin: germline.
Comment: The p.T1013A variant (also known as c.3037A>G), located in coding exon 22 of the LTBP3 gene, results from an A to G substitution at nucleotide position 3037. The threonine at codon 1013 is replaced by alanine, an amino acid with similar properties. This amino acid position is conserved. In addition, the in silico prediction for this alteration is inconclusive. Based on the available evidence, the clinical significance of this variant remains unclear.